The following is an entry in ClinVar:

NM_020975.6(RET):c.834C>T (p.Thr278=)

Gene: RET (ret proto-oncogene; plus strand). Cytogenetic location: 10q11.21.
Variant type: single nucleotide variant.
Coding change: c.834C>T on transcript NM_020975.6 (MANE Select); coding-DNA position 834, C replaced by T.
Protein change: p.Thr278=; no amino-acid change (threonine 278 retained).
Molecular consequence: synonymous variant. On other transcripts: intron variant (22).
Genome position (GRCh38, 1-based): chr10:43,105,160, C>T. VCF-style: chr10-43105160-C-T. GRCh37 (hg19) VCF-style: chr10-43600608-C-T.
Other names: c.834C>T, p.Thr278= (NM_000323.2, NM_001406743.1, NM_001406744.1 and 8 more transcripts); c.72C>T, p.Thr24= (NM_001355216.2); c.705C>T, p.Thr235= (NM_001406761.1, NM_001406762.1, NM_001406764.1 and 2 more transcripts); c.546C>T, p.Thr182= (NM_001406766.1, NM_001406767.1, NM_001406770.1); c.625+2531C>T (NM_001406773.1, NM_001406771.1, NM_001406782.1 and 5 more transcripts); c.496+2531C>T (NM_001406786.1, NM_001406783.1); c.338-3871C>T (NM_001406778.1, NM_001406775.1, NM_001406776.1 and 1 more transcripts); c.337+4438C>T (NM_001406790.1, NM_001406788.1, NM_001406789.1 and 1 more transcripts); and 2 more.
Identifiers: ClinVar variation 705456 (VCV000705456.24), dbSNP rs41306550, ClinGen allele CA045081.

ClinVar aggregate classification (germline): Likely benign. Review status: criteria provided, multiple submitters, no conflicts (2 of 4 stars). 5 submissions from 5 submitters: Likely benign (5). Last evaluated 2025-08-01.

Conditions:
Hereditary cancer-predisposing syndrome. Also called: Neoplastic Syndromes, Hereditary; Tumor predisposition; Hereditary Cancer Syndrome; Hereditary neoplastic syndrome. Identifiers: Orphanet 140162, MedGen C0027672, MeSH D009386, MONDO:0015356.
Multiple endocrine neoplasia, type 2 (MEN2). Identifiers: Orphanet 653, MedGen C4048306, MONDO:0019003. Disease mechanism: gain of function.

Allele frequency attached by ClinVar (database versions not stated): gnomAD 0.00001; gnomAD exomes 0.00002 and 0.00003; TOPMed below 0.00001; ExAC 0.00001.
gnomAD v4.1: 38 of 1,612,732 alleles (0.0024%); highest among the groups gnomAD compares: Non-Finnish European, 0.0031%; no homozygotes.

Submissions (5):

CeGaT Center for Human Genetics Tuebingen
Classification: Likely benign. Last evaluated: 2025-08-01. Review status: criteria provided, single submitter. Criteria: CeGaT Center For Human Genetics Tuebingen Variant Classification Criteria Version 2. Collection method: clinical testing. Allele origin: germline. Affected: yes. Observed: 1 variant allele.
Comment: RET: BP4, BP7

Labcorp Genetics (formerly Invitae), Labcorp
Classification: Likely benign for Multiple endocrine neoplasia, type 2. Last evaluated: 2025-06-15. Review status: criteria provided, single submitter. Criteria: Invitae Variant Classification Sherloc (09022015). Collection method: clinical testing. Allele origin: germline.

All of Us Research Program, National Institutes of Health
Classification: Likely benign for Multiple endocrine neoplasia, type 2. Last evaluated: 2023-12-01. Review status: criteria provided, single submitter. Criteria: ACMG Guidelines, 2015. Collection method: clinical testing. Allele origin: germline. Inheritance: Autosomal dominant inheritance. Observed: 2 variant alleles, 2 heterozygotes.
Comment: This study involves interpretation of variants in research participants for the purpose of population health screening. Participant phenotype was not available at the time of variant classification. Additional details can be found in publication PMID: 35346344, PMCID: PMC8962531

Color Diagnostics, LLC DBA Color Health
Classification: Likely benign for Multiple endocrine neoplasia, type 2. Last evaluated: 2023-08-16. Review status: criteria provided, single submitter. Criteria: ACMG Guidelines, 2015. Collection method: clinical testing. Allele origin: germline.

Ambry Genetics
Classification: Likely benign for Hereditary cancer-predisposing syndrome. Last evaluated: 2018-03-22. Review status: criteria provided, single submitter. Criteria: Ambry Variant Classification Scheme 2023. Collection method: clinical testing. Allele origin: germline.